The following is an entry in ClinVar:

ClinVar aggregate classification (germline): Uncertain significance. Review status: criteria provided, multiple submitters, no conflicts (2 of 4 stars). 3 submissions from 3 submitters: Uncertain significance (2). 1 of the submissions does not count toward it. Last evaluated 2021-12-19.

Conditions:
Usher syndrome type 1 (USH1). Also called: RETINITIS PIGMENTOSA AND CONGENITAL DEAFNESS. Identifiers: Orphanet 231169, Orphanet 886, MedGen C1568247, MONDO:0010168, OMIM 276900.

gnomAD v4.1: 2 of 1,613,524 alleles (0.00012%); highest among the groups gnomAD compares: Non-Finnish European, 0.00017%; no homozygotes.

Submissions (3):

Labcorp Genetics (formerly Invitae), Labcorp
Classification: Uncertain significance. Last evaluated: 2021-12-19. Review status: criteria provided, single submitter. Criteria: Invitae Variant Classification Sherloc (09022015). Collection method: clinical testing. Allele origin: germline.
Comment: This sequence change replaces valine, which is neutral and non-polar, with phenylalanine, which is neutral and non-polar, at codon 655 of the CDH23 protein (p.Val655Phe). This variant is not present in population databases (gnomAD no frequency). This variant has not been reported in the literature in individuals affected with CDH23-related conditions. Algorithms developed to predict the effect of missense changes on protein structure and function are either unavailable or do not agree on the potential impact of this missense change (SIFT: "Deleterious"; PolyPhen-2: "Not Available"; Align-GVGD: "Class C45"). In summary, the available evidence is currently insufficient to determine the role of this variant in disease. Therefore, it has been classified as a Variant of Uncertain Significance.

Blueprint Genetics
Classification: Uncertain significance. Last evaluated: 2017-10-16. Review status: criteria provided, single submitter. Criteria: ACMG Guidelines, 2015. Collection method: clinical testing. Allele origin: germline.

Natera, Inc.
Classification: Uncertain significance for Usher syndrome type 1. Last evaluated: 2025-02-03. Review status: no assertion criteria provided. Collection method: clinical testing. Allele origin: germline. Not counted in ClinVar's aggregate classification.

NM_022124.6(CDH23):c.1963G>T (p.Val655Phe)

Gene: CDH23 (cadherin related 23; plus strand). Cytogenetic location: 10q22.1.
Variant type: single nucleotide variant.
Coding change: c.1963G>T on transcript NM_022124.6 (MANE Select); coding-DNA position 1963, G replaced by T.
Protein change: p.Val655Phe; replaces valine 655 with phenylalanine.
Molecular consequence: missense variant.
Genome position (GRCh38, 1-based): chr10:71,682,549, G>T. VCF-style: chr10-71682549-G-T. GRCh37 (hg19) VCF-style: chr10-73442306-G-T.
Other names: c.1963G>T, p.Val655Phe (NM_001171930.2, NM_001171931.2); c.1963G>T (NM_022124.5); short protein forms V655F.
Identifiers: ClinVar variation 2047570 (VCV002047570.3), dbSNP rs374805957, ClinGen allele CA377132760.
Genomic context (GRCh38, chr10:71,682,549, plus strand): 5'-GGGCTGATTTATCTGACGGTCATGGCCATGGATGCTGGCAACCCCCCTCTCAACAGCACC[G>T]TCCCTGTCACCATCGAGGTGTTTGTAAGTACCCAGGGCCACTGGCCTTGCCCTGCTAGTG-3'
Protein context (NP_071407.4, residues 645-665): DAGNPPLNST[Val655Phe]PVTIEVFDEN